The following is an entry in ClinVar:

ClinVar aggregate classification (germline): Uncertain significance. Review status: criteria provided, multiple submitters, no conflicts (2 of 4 stars). 4 submissions from 4 submitters: Uncertain significance (4). Last evaluated 2026-06-08.

Conditions:
ALPK3-related disorder. Also called: ALPK3-related condition.
Cardiovascular phenotype. Identifiers: MedGen CN230736.

Allele frequency attached by ClinVar (database versions not stated): gnomAD 0.00004; gnomAD exomes 0.00004 and 0.00005; ExAC 0.00005; ESP Exome Variant Server 0.00015; 1000 Genomes Project 30x 0.00016; 1000 Genomes Project 0.00020.
gnomAD v4.1: 57 of 1,614,146 alleles (0.0035%); highest among the groups gnomAD compares: Non-Finnish European, 0.0046%; no homozygotes.

Submissions (4):

Women's Health and Genetics/Laboratory Corporation of America, LabCorp
Classification: Uncertain significance. Last evaluated: 2026-06-08. Review status: criteria provided, single submitter. Criteria: LabCorp Variant Classification Summary - May 2015. Collection method: clinical testing. Allele origin: germline.

PreventionGenetics, part of Exact Sciences
Classification: Uncertain significance for ALPK3-related condition. Last evaluated: 2026-02-07. Review status: criteria provided, single submitter. Criteria: ACMG Guidelines, 2015. Collection method: clinical testing. Allele origin: germline.
Comment: The ALPK3 c.4558G>A variant is predicted to result in the amino acid substitution p.Glu1520Lys. To our knowledge, this variant has not been reported in the literature. This variant is reported in 0.016% of alleles in individuals of East Asian descent in gnomAD. At this time, the clinical significance of this variant is uncertain due to the absence of conclusive functional and genetic evidence.

Labcorp Genetics (formerly Invitae), Labcorp
Classification: Uncertain significance. Last evaluated: 2025-12-15. Review status: criteria provided, single submitter. Criteria: Invitae Variant Classification Sherloc (09022015). Collection method: clinical testing. Allele origin: germline.
Comment: This sequence change replaces glutamic acid, which is acidic and polar, with lysine, which is basic and polar, at codon 1520 of the ALPK3 protein (p.Glu1520Lys). This variant is present in population databases (rs142686791, gnomAD 0.01%). This variant has not been reported in the literature in individuals affected with ALPK3-related conditions. ClinVar contains an entry for this variant (Variation ID: 1499548). Invitae Evidence Modeling of protein sequence and biophysical properties (such as structural, functional, and spatial information, amino acid conservation, physicochemical variation, residue mobility, and thermodynamic stability) has been performed for this missense variant. However, the output from this modeling did not meet the statistical confidence thresholds required to predict the impact of this variant on ALPK3 protein function. In summary, the available evidence is currently insufficient to determine the role of this variant in disease. Therefore, it has been classified as a Variant of Uncertain Significance.

Ambry Genetics
Classification: Uncertain significance for Cardiovascular phenotype. Last evaluated: 2023-12-08. Review status: criteria provided, single submitter. Criteria: Ambry Variant Classification Scheme 2023. Collection method: clinical testing. Allele origin: germline.

NM_020778.5(ALPK3):c.3952G>A (p.Glu1318Lys)

Gene: ALPK3 (alpha kinase 3; plus strand). Cytogenetic location: 15q25.3.
Variant type: single nucleotide variant.
Coding change: c.3952G>A on transcript NM_020778.5 (MANE Select); coding-DNA position 3952, G replaced by A.
Protein change: p.Glu1318Lys; replaces glutamic acid 1318 with lysine.
Molecular consequence: missense variant.
Genome position (GRCh38, 1-based): chr15:84,859,377, G>A. VCF-style: chr15-84859377-G-A. GRCh37 (hg19) VCF-style: chr15-85402608-G-A.
Other names: c.4558G>A (NM_020778.4); short protein forms E1318K.
Identifiers: ClinVar variation 1499548 (VCV001499548.10), dbSNP rs142686791, ClinGen allele CA7709768.